The following is an entry in ClinVar:

NM_032608.7(MYO18B):c.2197G>A (p.Ala733Thr)

Gene: MYO18B (myosin XVIIIB; plus strand). Cytogenetic location: 22q12.1.
Variant type: single nucleotide variant.
Coding change: c.2197G>A on transcript NM_032608.7 (MANE Select); coding-DNA position 2197, G replaced by A.
Protein change: p.Ala733Thr; replaces alanine 733 with threonine.
Molecular consequence: missense variant.
Genome position (GRCh38, 1-based): chr22:25,780,184, G>A. VCF-style: chr22-25780184-G-A. GRCh37 (hg19) VCF-style: chr22-26176151-G-A.
Other names: c.2197G>A, p.Ala733Thr (NM_001318245.2); short protein forms A733T.
Identifiers: ClinVar variation 3297744 (VCV003297744.3).
Genomic context (GRCh38, chr22:25,780,184, plus strand): 5'-AGTGCCACCCGGTTCTCCATGGTGATGTCGCTGGACTTCAACGCTACAGGCCGCATCACA[G>A]CTGCTCAGCTCCAGGTGAGGCCTCTCGGGGGATGTGCAAGGGGGCCCTTGGGGCTGCTGT-3'
Protein context (NP_115997.5, residues 723-743): LDFNATGRIT[Ala733Thr]AQLQTMLLEK

ClinVar aggregate classification (germline): Uncertain significance. Review status: criteria provided, multiple submitters, no conflicts (2 of 4 stars). 2 submissions from 2 submitters: Uncertain significance (2). Last evaluated 2024-04-08.

Conditions:
Inborn genetic diseases. Identifiers: MedGen C0950123, MeSH D030342.

gnomAD v4.1: 14 of 1,605,084 alleles (0.00087%); highest among the groups gnomAD compares: East Asian, 0.029%; no homozygotes.

Submissions (2):

Ambry Genetics
Classification: Uncertain significance for Inborn genetic diseases. Last evaluated: 2024-04-08. Review status: criteria provided, single submitter. Criteria: Ambry Variant Classification Scheme 2023. Collection method: clinical testing. Allele origin: germline.

Labcorp Genetics (formerly Invitae), Labcorp
Classification: Uncertain significance. Last evaluated: 2024-01-31. Review status: criteria provided, single submitter. Criteria: Invitae Variant Classification Sherloc (09022015). Collection method: clinical testing. Allele origin: germline.
Comment: This sequence change replaces alanine, which is neutral and non-polar, with threonine, which is neutral and polar, at codon 733 of the MYO18B protein (p.Ala733Thr). This variant is present in population databases (rs534316679, gnomAD 0.06%). This variant has not been reported in the literature in individuals affected with MYO18B-related conditions. An algorithm developed to predict the effect of missense changes on protein structure and function (PolyPhen-2) suggests that this variant is likely to be disruptive. In summary, the available evidence is currently insufficient to determine the role of this variant in disease. Therefore, it has been classified as a Variant of Uncertain Significance.